The following is an entry in ClinVar:

NC_000011.9:g.(?_2191910)_(2193087_?)del

Gene: TH (tyrosine hydroxylase; minus strand). Cytogenetic location: 11p15.5.
Variant type: Deletion.
Identifiers: ClinVar variation 1458504 (VCV001458504.4).

ClinVar aggregate classification (germline): Pathogenic (1 of 4 stars; one submission).

Conditions:
TH-deficient dopa-responsive dystonia. Also called: Tyrosine Hydroxylase-Deficient Dopa-Responsive Dystonia; Segawa syndrome, autosomal recessive; DYT-TH. Identifiers: Orphanet 101150, MedGen C2673535, MONDO:0011551, OMIM 605407.

Submission:

Labcorp Genetics (formerly Invitae), Labcorp
Classification: Pathogenic for TH-deficient dopa-responsive dystonia. Last evaluated: 2021-01-05. Review status: criteria provided, single submitter. Criteria: Invitae Variant Classification Sherloc (09022015). Collection method: clinical testing. Allele origin: germline.
Comment: For these reasons, this variant has been classified as Pathogenic. This variant has not been reported in the literature in individuals with TH-related conditions. This variant is a gross deletion of the genomic region encompassing exon(s) 1-2 of the TH gene, which includes the initiator codon. The 5' end of this event is unknown as it extends beyond the assayed region for this gene and therefore may encompass additional genes. The 3' boundary is likely confined to intron 2 of the TH gene. It is expected to result in an absent or disrupted protein product. Loss-of-function variants in TH are known to be pathogenic (PMID: 22264700, 24753243).

Literature cited by the submitters: PubMed 22264700; PubMed 24753243.